The following is an entry in ClinVar:

NM_001374736.1(DST):c.40A>G (p.Ser14Gly)

Gene: DST (dystonin; minus strand). Cytogenetic location: 6p12.1.
Variant type: single nucleotide variant.
Coding change: c.40A>G on transcript NM_001374736.1 (MANE Select); coding-DNA position 40, A replaced by G.
Protein change: p.Ser14Gly; replaces serine 14 with glycine.
Molecular consequence: missense variant.
Genome position (GRCh38, 1-based): chr6:56,954,548, T>C on the plus strand (A>G on the coding strand, the complement: DST is on the minus strand). VCF-style: chr6-56954548-T-C. GRCh37 (hg19) VCF-style: chr6-56819346-T-C.
Other names: c.40A>G, p.Ser14Gly (NM_001144769.5, NM_001374722.1, NM_001374734.1); short protein forms S14G.
Identifiers: ClinVar variation 1737822 (VCV001737822.2), dbSNP rs745896422, ClinGen allele CA3872088.
Genomic context (GRCh38, chr6:56,954,548, plus strand): 5'-AGACGATGGTGGCGATGGTGCCCAGCAGAAGCAACAAGAGGAAGAGGGCACATTGGATGC[T>C]GTAGGGTCTCAGCAAGACGAGGAAAGCCGCGGCGATCATGGTGCGGGCGAGGCGAGGGCG-3'
Protein context (NP_001361665.1, residues 4-24): AAFLVLLRPY[Ser14Gly]IQCALFLLLL

ClinVar aggregate classification (germline): Uncertain significance (1 of 4 stars; one submission).

Conditions:
Inborn genetic diseases. Identifiers: MedGen C0950123, MeSH D030342.

Allele frequency attached by ClinVar (database versions not stated): gnomAD exomes 0.00001; ExAC 0.00003; gnomAD 0.00003; TOPMed 0.00003.
gnomAD v4.1: 15 of 1,366,992 alleles (0.0011%); highest among the groups gnomAD compares: African/African-American, 0.0015%; no homozygotes.

Submission:

Ambry Genetics
Classification: Uncertain significance for Inborn genetic diseases. Last evaluated: 2021-11-18. Review status: criteria provided, single submitter. Criteria: Ambry Variant Classification Scheme 2023. Collection method: clinical testing. Allele origin: germline.
Comment: The p.S14G variant (also known as c.40A>G), located in coding exon 1 of the DST gene, results from an A to G substitution at nucleotide position 40. The serine at codon 14 is replaced by glycine, an amino acid with similar properties. This amino acid position is highly conserved in available vertebrate species. In addition, this alteration is predicted to be deleterious by in silico analysis. Since supporting evidence is limited at this time, the clinical significance of this alteration remains unclear.